The following is an entry in ClinVar:

NM_170699.3(GPBAR1):c.292T>C (p.Ser98Pro)

Gene: GPBAR1 (G protein-coupled bile acid receptor 1; plus strand). Cytogenetic location: 2q35.
Variant type: single nucleotide variant.
Coding change: c.292T>C on transcript NM_170699.3 (MANE Select); coding-DNA position 292, T replaced by C.
Protein change: p.Ser98Pro; replaces serine 98 with proline.
Molecular consequence: missense variant.
Genome position (GRCh38, 1-based): chr2:218,263,016, T>C. VCF-style: chr2-218263016-T-C. GRCh37 (hg19) VCF-style: chr2-219127739-T-C.
Other names: c.292T>C, p.Ser98Pro (NM_001077191.2, NM_001077194.2, NM_001321950.2); short protein forms S98P.
Identifiers: ClinVar variation 3354498 (VCV003354498.1).

ClinVar aggregate classification (germline): Uncertain significance (0 of 4 stars; one submission).

Conditions:
GPBAR1-related disorder. Also called: GPBAR1-related condition.

Submission:

PreventionGenetics, part of Exact Sciences
Classification: Uncertain significance for GPBAR1-related condition. Last evaluated: 2024-07-26. Review status: no assertion criteria provided. Collection method: clinical testing. Allele origin: germline.
Comment: The GPBAR1 c.292T>C variant is predicted to result in the amino acid substitution p.Ser98Pro. To our knowledge, this variant has not been reported in the literature or in a large population database, indicating this variant is rare. At this time, the clinical significance of this variant is uncertain due to the absence of conclusive functional and genetic evidence.